The following is an entry in ClinVar:

NM_199420.4(POLQ):c.4420G>C (p.Glu1474Gln)

Gene: POLQ (DNA polymerase theta; minus strand). Cytogenetic location: 3q13.33.
Variant type: single nucleotide variant.
Coding change: c.4420G>C on transcript NM_199420.4 (MANE Select); coding-DNA position 4420, G replaced by C.
Protein change: p.Glu1474Gln; replaces glutamic acid 1474 with glutamine.
Molecular consequence: missense variant.
Genome position (GRCh38, 1-based): chr3:121,488,511, C>G on the plus strand (G>C on the coding strand, the complement: POLQ is on the minus strand). VCF-style: chr3-121488511-C-G. GRCh37 (hg19) VCF-style: chr3-121207358-C-G.
Other names: short protein forms E1474Q.
Identifiers: ClinVar variation 1740484 (VCV001740484.2), dbSNP rs2546785922, ClinGen allele CA354095191.

ClinVar aggregate classification (germline): Uncertain significance (1 of 4 stars; one submission).

Submission:

Ambry Genetics
Classification: Uncertain significance. Last evaluated: 2022-09-20. Review status: criteria provided, single submitter. Criteria: Ambry Variant Classification Scheme 2023. Collection method: clinical testing. Allele origin: germline.
Comment: The p.E1474Q variant (also known as c.4420G>C), located in coding exon 16 of the POLQ gene, results from a G to C substitution at nucleotide position 4420. The glutamic acid at codon 1474 is replaced by glutamine, an amino acid with highly similar properties. This amino acid position is conserved. In addition, this alteration is predicted to be tolerated by in silico analysis. Since supporting evidence is limited at this time, the clinical significance of this alteration remains unclear.